The following is an entry in ClinVar:

ClinVar aggregate classification (germline): Benign/Likely benign. Review status: criteria provided, multiple submitters, no conflicts (2 of 4 stars). 7 submissions from 7 submitters: Benign (5); Likely benign (2). Last evaluated 2026-02-04.

Conditions:
Autosomal recessive nonsyndromic hearing loss 77. Identifiers: Orphanet 90636, MedGen C2746083, MONDO:0013119, OMIM 613079.

Allele frequency attached by ClinVar (database versions not stated): 1000 Genomes Project 30x 0.06168; 1000 Genomes Project 0.06270; gnomAD 0.07033 and 0.07068; TOPMed 0.07217; gnomAD exomes 0.07710 and 0.09470; ExAC 0.08503; ESP Exome Variant Server 0.08914.
gnomAD v4.1: 143,215 of 1,550,968 alleles (9.2%); highest among the groups gnomAD compares: Non-Finnish European, 10%; 7,153 homozygotes.

Submissions (7):

Labcorp Genetics (formerly Invitae), Labcorp
Classification: Benign. Last evaluated: 2026-02-04. Review status: criteria provided, single submitter. Criteria: Invitae Variant Classification Sherloc (09022015). Collection method: clinical testing. Allele origin: germline.

Genome-Nilou Lab
Classification: Benign for Autosomal recessive nonsyndromic hearing loss 77. Last evaluated: 2021-07-10. Review status: criteria provided, single submitter. Criteria: ACMG Guidelines, 2015. Collection method: clinical testing. Allele origin: germline. Affected: no.

GeneDx
Classification: Benign. Last evaluated: 2018-06-13. Review status: criteria provided, single submitter. Criteria: GeneDx Variant Classification (06012015). Collection method: clinical testing. Allele origin: germline. Affected: yes.
Comment: This variant is considered likely benign or benign based on one or more of the following criteria: it is a conservative change, it occurs at a poorly conserved position in the protein, it is predicted to be benign by multiple in silico algorithms, and/or has population frequency not consistent with disease.

Illumina Laboratory Services, Illumina
Classification: Likely benign for Autosomal recessive nonsyndromic hearing loss 77. Last evaluated: 2018-01-13. Review status: criteria provided, single submitter. Criteria: ICSL Variant Classification Criteria 13 December 2019. Collection method: clinical testing. Allele origin: germline.
Comment: This variant was observed in the ICSL laboratory as part of a predisposition screen in an ostensibly healthy population. It had not been previously curated by ICSL or reported in the Human Gene Mutation Database (HGMD: prior to June 1st, 2018), and was therefore a candidate for classification through an automated scoring system. Utilizing variant allele frequency, disease prevalence and penetrance estimates, and inheritance mode, an automated score was calculated to assess if this variant is too frequent to cause the disease. Based on the score and internal cut-off values, a variant classified as likely benign is not then subjected to further curation. The score for this variant resulted in a classification of likely benign for this disease.

Laboratory for Molecular Medicine, Mass General Brigham Personalized Medicine
Classification: Benign. Last evaluated: 2012-05-07. Review status: criteria provided, single submitter. Criteria: LMM Criteria. Collection method: clinical testing. Allele origin: germline. Observed: 239 variant alleles.
Comment: 5213+13G>A in Intron 33 of LOXHD1: This variant is not expected to have clinical significance because it is not located within the conserved splice consensus se quence and has been identified in 11.4% (288/2532) of European American chromoso mes from a broad population by the NHLBI Exome Sequencing Project (.; dbSNP rs59128481).

Breakthrough Genomics
Classification: Likely benign. Review status: criteria provided, single submitter. Criteria: ACMG Guidelines, 2015. Collection method: not provided. Allele origin: germline. Inheritance: Autosomal recessive inheritance. Affected: yes.

PreventionGenetics, part of Exact Sciences
Classification: Benign. Review status: criteria provided, single submitter. Criteria: ACMG Guidelines, 2015. Collection method: clinical testing. Allele origin: germline.

NM_001384474.1(LOXHD1):c.5399+13G>A

Gene: LOXHD1 (lipoxygenase homology PLAT domains 1; minus strand). Cytogenetic location: 18q21.1.
Variant type: single nucleotide variant.
Coding change: c.5399+13G>A on transcript NM_001384474.1 (MANE Select); 13 bases into the intron after coding-DNA position 5399, G replaced by A.
Molecular consequence: intron variant.
Genome position (GRCh38, 1-based): chr18:46,518,116, C>T on the plus strand (G>A on the coding strand, the complement: LOXHD1 is on the minus strand). VCF-style: chr18-46518116-C-T. GRCh37 (hg19) VCF-style: chr18-44098079-C-T.
Other names: c.2066+13G>A (NM_001145472.3); c.1778+13G>A (NM_001308013.2); c.116+13G>A (NM_001173129.2, NM_001145473.3); c.5213+13G>A (NM_144612.7).
Identifiers: ClinVar variation 47944 (VCV000047944.21), dbSNP rs59128481, ClinGen allele CA142233.